The following is an entry in ClinVar:

NM_001330195.2(NRXN3):c.502G>T (p.Ala168Ser)

Gene: NRXN3 (neurexin 3; plus strand). Cytogenetic location: 14q24.3.
Variant type: single nucleotide variant.
Coding change: c.502G>T on transcript NM_001330195.2 (MANE Select); coding-DNA position 502, G replaced by T.
Protein change: p.Ala168Ser; replaces alanine 168 with serine.
Molecular consequence: missense variant. On other transcripts: non-coding transcript variant (4).
Genome position (GRCh38, 1-based): chr14:78,243,595, G>T. VCF-style: chr14-78243595-G-T. GRCh37 (hg19) VCF-style: chr14-78709938-G-T.
Other names: c.502G>T, p.Ala168Ser (NM_001366425.1, NM_001366426.1); short protein forms A168S.
Identifiers: ClinVar variation 5000491 (VCV005000491.1).

ClinVar aggregate classification (germline): Uncertain significance (1 of 4 stars; one submission).

Conditions:
NRXN3-related disorder. Also called: NRXN3-related condition.

Submission:

PreventionGenetics, part of Exact Sciences
Classification: Uncertain significance for NRXN3-related condition. Last evaluated: 2024-12-31. Review status: criteria provided, single submitter. Criteria: ACMG Guidelines, 2015. Collection method: clinical testing. Allele origin: germline.
Comment: The NRXN3 c.502G>T variant is predicted to result in the amino acid substitution p.Ala168Ser. To our knowledge, this variant has not been reported in the literature or in a large population database (gnomAD), indicating this variant is rare. At this time, the clinical significance of this variant is uncertain due to the absence of conclusive functional and genetic evidence.